The following is an entry in ClinVar:

NM_002691.4(POLD1):c.2250+4G>A

Gene: POLD1 (DNA polymerase delta 1, catalytic subunit; plus strand). Cytogenetic location: 19q13.33.
Variant type: single nucleotide variant.
Coding change: c.2250+4G>A on transcript NM_002691.4 (MANE Select); 4 bases into the intron after coding-DNA position 2250, G replaced by A.
Molecular consequence: intron variant.
Genome position (GRCh38, 1-based): chr19:50,413,525, G>A. VCF-style: chr19-50413525-G-A. GRCh37 (hg19) VCF-style: chr19-50916782-G-A.
Other names: c.2328+4G>A (LRG_785t2, NM_001308632.1); c.2250+4G>A (LRG_785t1, NM_001256849.1).
Identifiers: ClinVar variation 239278 (VCV000239278.22), dbSNP rs370478977, ClinGen allele CA9596447.
Genomic context (GRCh38, chr19:50,413,525, plus strand): 5'-AAGCAGCTGGTGGAGTCTAAGTACACAGTGGAGAATGGCTACAGCACCAGTGCCAAGGTC[G>A]GGGGCTGCCCACCGCTGCCCTGAGATGGGCCCAGGGCAGGTGGGGGGATGGAAGCCGGGC-3'

ClinVar aggregate classification (germline): Conflicting classifications of pathogenicity. Review status: criteria provided, conflicting classifications (1 of 4 stars). 9 submissions from 9 submitters: Uncertain significance (2); Likely benign (6). 1 of the submissions does not count toward it. Last evaluated 2026-02-01.

Conditions:
POLD1-related polyposis and colorectal cancer syndrome (CRCS10). Also called: COLORECTAL CANCER, SUSCEPTIBILITY TO, ON CHROMOSOME 19q; Colorectal cancer 10; Colorectal cancer, susceptibility to, 10. Identifiers: Orphanet 220460, MedGen C2675481, MONDO:0012953, OMIM 612591.
Hereditary cancer-predisposing syndrome. Also called: Hereditary Cancer Syndrome; Neoplastic Syndromes, Hereditary; Hereditary neoplastic syndrome; Tumor predisposition. Identifiers: Orphanet 140162, MedGen C0027672, MeSH D009386, MONDO:0015356.
Polymerase proofreading-related adenomatous polyposis. Also called: Polymerase proofreading associated polyposis; Polymerase proofreading–associated polyposis (PPAP). Identifiers: Orphanet 447877, MedGen C5202613, MONDO:0018653.
POLD1-related disorder. Also called: POLD1-related condition; POLD1-related disorders.

Allele frequency attached by ClinVar (database versions not stated): ExAC 0.00002; gnomAD 0.00004; TOPMed 0.00006; ESP Exome Variant Server 0.00008.

Submissions (9):

Labcorp Genetics (formerly Invitae), Labcorp
Classification: Likely benign for POLD1-related polyposis and colorectal cancer syndrome. Last evaluated: 2026-02-01. Review status: criteria provided, single submitter. Criteria: Invitae Variant Classification Sherloc (09022015). Collection method: clinical testing. Allele origin: germline.

Blueprint Genetics
Classification: Likely benign. Last evaluated: 2024-07-25. Review status: criteria provided, single submitter. Criteria: ACMG Guidelines, 2015. Collection method: clinical testing. Allele origin: germline.

Department of Pathology and Laboratory Medicine, Sinai Health System
Classification: Uncertain significance for Polymerase proofreading-related adenomatous polyposis. Last evaluated: 2024-04-05. Review status: criteria provided, single submitter. Criteria: ACMG Guidelines, 2015. Collection method: clinical testing. Allele origin: germline. Affected: yes.

Women's Health and Genetics/Laboratory Corporation of America, LabCorp
Classification: Likely benign. Last evaluated: 2023-11-27. Review status: criteria provided, single submitter. Criteria: LabCorp Variant Classification Summary - May 2015. Collection method: clinical testing. Allele origin: germline.
Comment: Variant summary: POLD1 c.2250+4G>A alters a conserved nucleotide located close to a canonical splice site and therefore could affect mRNA splicing, leading to a significantly altered protein sequence. Consensus agreement among computation tools predict no significant impact on normal splicing. However, these predictions have yet to be confirmed by functional studies. The variant allele was found at a frequency of 2.1e-05 in 1602466 control chromosomes. The observed variant frequency is approximately 1.49 fold of the estimated maximal expected allele frequency for a pathogenic variant in POLD1 causing Colorectal Cancer phenotype (1.4e-05), strongly suggesting that the variant is benign. To our knowledge, no occurrence of c.2250+4G>A in individuals affected with Colorectal Cancer and no experimental evidence demonstrating its impact on protein function have been reported. Five submitters have cited clinical-significance assessments for this variant to ClinVar after 2014. Four submitters classified the variant as likely benign while one classified as VUS. Based on the evidence outlined above, the variant was classified as likely benign.

Ambry Genetics
Classification: Likely benign for Hereditary cancer-predisposing syndrome. Last evaluated: 2021-08-04. Review status: criteria provided, single submitter. Criteria: Ambry Variant Classification Scheme 2023. Collection method: clinical testing. Allele origin: germline.

Sema4
Classification: Likely benign for Hereditary cancer-predisposing syndrome. Last evaluated: 2021-03-18. Review status: criteria provided, single submitter. Criteria: Sema4 Curation Guidelines. Collection method: curation. Allele origin: germline.

GeneDx
Classification: Likely benign. Last evaluated: 2020-11-16. Review status: criteria provided, single submitter. Criteria: GeneDx Variant Classification Process June 2021. Collection method: clinical testing. Allele origin: germline. Affected: yes.

Quest Diagnostics Nichols Institute San Juan Capistrano
Classification: Uncertain significance. Last evaluated: 2017-05-25. Review status: criteria provided, single submitter. Criteria: Quest Diagnostics criteria. Collection method: clinical testing. Allele origin: germline.

PreventionGenetics, part of Exact Sciences
Classification: Likely benign for POLD1-related condition. Last evaluated: 2024-06-20. Review status: no assertion criteria provided. Collection method: clinical testing. Allele origin: germline. Not counted in ClinVar's aggregate classification.
Comment: This variant is classified as likely benign based on ACMG/AMP sequence variant interpretation guidelines (Richards et al. 2015 PMID: 25741868, with internal and published modifications).